The following is an entry in ClinVar:

NM_001939.3(DRP2):c.139C>A (p.Pro47Thr)

Gene: DRP2 (dystrophin related protein 2; plus strand). Cytogenetic location: Xq22.1.
Variant type: single nucleotide variant.
Coding change: c.139C>A on transcript NM_001939.3 (MANE Select); coding-DNA position 139, C replaced by A.
Protein change: p.Pro47Thr; replaces proline 47 with threonine.
Molecular consequence: missense variant. On other transcripts: 5 prime UTR variant (1).
Genome position (GRCh38, 1-based): chrX:101,235,881, C>A. VCF-style: chrX-101235881-C-A. GRCh37 (hg19) VCF-style: chrX-100490870-C-A.
Other names: c.-96C>A (NM_001171184.2); short protein forms P47T.
Identifiers: ClinVar variation 4014886 (VCV004014886.2).

ClinVar aggregate classification (germline): Uncertain significance. Review status: criteria provided, multiple submitters, no conflicts (2 of 4 stars). 2 submissions from 2 submitters: Uncertain significance (2). Last evaluated 2025-05-05.

Submissions (2):

Labcorp Genetics (formerly Invitae), Labcorp
Classification: Uncertain significance. Last evaluated: 2025-05-05. Review status: criteria provided, single submitter. Criteria: Invitae Variant Classification Sherloc (09022015). Collection method: clinical testing. Allele origin: germline.
Comment: This sequence change replaces proline, which is neutral and non-polar, with threonine, which is neutral and polar, at codon 47 of the DRP2 protein (p.Pro47Thr). This variant is present in population databases (rs779310413, gnomAD 0.05%). This variant has not been reported in the literature in individuals affected with DRP2-related conditions. Invitae Evidence Modeling of protein sequence and biophysical properties (such as structural, functional, and spatial information, amino acid conservation, physicochemical variation, residue mobility, and thermodynamic stability) indicates that this missense variant is not expected to disrupt DRP2 protein function with a negative predictive value of 80%. In summary, the available evidence is currently insufficient to determine the role of this variant in disease. Therefore, it has been classified as a Variant of Uncertain Significance.

Ambry Genetics
Classification: Uncertain significance. Last evaluated: 2025-04-15. Review status: criteria provided, single submitter. Criteria: Ambry Variant Classification Scheme 2023. Collection method: clinical testing. Allele origin: germline.